The following is an entry in ClinVar:

ClinVar aggregate classification (germline): Uncertain significance (1 of 4 stars; one submission).

Conditions:
Charcot-Marie-Tooth disease type 4. Also called: Charcot-Marie-Tooth disease, type IV; Charcot-Marie-Tooth, Type 4. Identifiers: Orphanet 64749, MedGen C4082197, MONDO:0018995.

Submission:

Labcorp Genetics (formerly Invitae), Labcorp
Classification: Uncertain significance for Charcot-Marie-Tooth disease type 4. Last evaluated: 2020-11-23. Review status: criteria provided, single submitter. Criteria: Invitae Variant Classification Sherloc (09022015). Collection method: clinical testing. Allele origin: germline.
Comment: This sequence change replaces serine with threonine at codon 53 of the MTMR2 protein (p.Ser53Thr). The serine residue is moderately conserved and there is a small physicochemical difference between serine and threonine. This variant is not present in population databases (ExAC no frequency). In summary, the available evidence is currently insufficient to determine the role of this variant in disease. Therefore, it has been classified as a Variant of Uncertain Significance. Advanced modeling of protein sequence and biophysical properties (such as structural, functional, and spatial information, amino acid conservation, physicochemical variation, residue mobility, and thermodynamic stability) performed at Invitae indicates that this missense variant is not expected to disrupt MTMR2 protein function. This variant has not been reported in the literature in individuals with MTMR2-related conditions.

NM_016156.6(MTMR2):c.157T>A (p.Ser53Thr)

Gene: MTMR2 (myotubularin related protein 2; minus strand). Cytogenetic location: 11q21.
Variant type: single nucleotide variant.
Coding change: c.157T>A on transcript NM_016156.6 (MANE Select); coding-DNA position 157, T replaced by A.
Protein change: p.Ser53Thr; replaces serine 53 with threonine.
Molecular consequence: missense variant. On other transcripts: 5 prime UTR variant (3).
Genome position (GRCh38, 1-based): chr11:95,888,185, A>T on the plus strand (T>A on the coding strand, the complement: MTMR2 is on the minus strand). VCF-style: chr11-95888185-A-T. GRCh37 (hg19) VCF-style: chr11-95621349-A-T.
Other names: c.-256T>A (NM_001243571.2); c.-183T>A (NM_201278.3); c.-60T>A (NM_201281.3); short protein forms S53T.
Identifiers: ClinVar variation 1345611 (VCV001345611.8), dbSNP rs2135548895, ClinGen allele CA382406198.